The following is an entry in ClinVar:

ClinVar aggregate classification (germline): Uncertain significance (1 of 4 stars; one submission).

Submission:

GeneDx
Classification: Uncertain significance. Last evaluated: 2015-04-24. Review status: criteria provided, single submitter. Criteria: GeneDx Variant Classification (06012015). Collection method: clinical testing. Allele origin: germline. Affected: yes.
Comment: p.Thr1966Ala (T1966A) ACT>GCT: c.5896 A>G in exon 46 of the FBN2 gene (NM_001999.3) The T1966A variant has not been published as a mutation, nor has it been reported as a benign polymorphism to our knowledge. The T1966A variant was not observed in approximately 6500 individuals of European and African American ancestry in the NHLBI Exome Sequencing Project, indicating it is not a common benign variant in these populations. The T1966A variant is a non-conservative amino acid substitution, which is likely to impact secondary protein structure as these residues differ in polarity, charge, size and/or other properties. This substitution occurs at a position where amino acids with similar properties to Threonine are tolerated across species. However, in silico analysis is inconsistent in its predictions as to whether or not the variant is damaging to the protein structure/function. No missense mutations in nearby residues have been reported in association with contractural arachnodactyly, suggesting this region of the protein may be tolerant of change. Finally, although the T1966A variant is located within a calcium-binding EGF-like domain of the FBN2 gene, it does not affect a Cysteine residue. Cysteine substitutions in the calcium-binding EGF-like domains represent the majority of pathogenic missense changes associated with congenital arachnodactyly (Collod-Beroud et al., 2003). Therefore, based on the currently available information, it is unclear whether this variant is a pathogenic mutation or a rare benign variant.This variant was found in TAADV2-PANCARD

NM_001999.4(FBN2):c.5896A>G (p.Thr1966Ala)

Gene: FBN2 (fibrillin 2; minus strand). Cytogenetic location: 5q23.3.
Variant type: single nucleotide variant.
Coding change: c.5896A>G on transcript NM_001999.4 (MANE Select); coding-DNA position 5896, A replaced by G.
Protein change: p.Thr1966Ala; replaces threonine 1966 with alanine.
Molecular consequence: missense variant.
Genome position (GRCh38, 1-based): chr5:128,302,994, T>C on the plus strand (A>G on the coding strand, the complement: FBN2 is on the minus strand). VCF-style: chr5-128302994-T-C. GRCh37 (hg19) VCF-style: chr5-127638686-T-C.
Other names: short protein forms T1966A.
Identifiers: ClinVar variation 213342 (VCV000213342.2), dbSNP rs863223579, ClinGen allele CA322135.